The following is an entry in ClinVar:

ClinVar aggregate classification (germline): Uncertain significance. Review status: criteria provided, multiple submitters, no conflicts (2 of 4 stars). 2 submissions from 2 submitters: Uncertain significance (2). Last evaluated 2025-08-26.

gnomAD v4.1: 7 of 1,613,990 alleles (0.00043%); highest among the groups gnomAD compares: Non-Finnish European, 0.00059%; no homozygotes.

Submissions (2):

Ambry Genetics
Classification: Uncertain significance. Last evaluated: 2025-08-26. Review status: criteria provided, single submitter. Criteria: Ambry Variant Classification Scheme 2023. Collection method: clinical testing. Allele origin: germline.

Labcorp Genetics (formerly Invitae), Labcorp
Classification: Uncertain significance. Last evaluated: 2025-02-13. Review status: criteria provided, single submitter. Criteria: Invitae Variant Classification Sherloc (09022015). Collection method: clinical testing. Allele origin: germline.
Comment: This sequence change replaces lysine, which is basic and polar, with asparagine, which is neutral and polar, at codon 325 of the WNT3 protein (p.Lys325Asn). This variant is present in population databases (rs761820418, gnomAD 0.003%). This variant has not been reported in the literature in individuals affected with WNT3-related conditions. Invitae Evidence Modeling of protein sequence and biophysical properties (such as structural, functional, and spatial information, amino acid conservation, physicochemical variation, residue mobility, and thermodynamic stability) indicates that this missense variant is not expected to disrupt WNT3 protein function with a negative predictive value of 80%. In summary, the available evidence is currently insufficient to determine the role of this variant in disease. Therefore, it has been classified as a Variant of Uncertain Significance.

NM_030753.5(WNT3):c.975G>T (p.Lys325Asn)

Genes: LRRC37A2 (leucine rich repeat containing 37 member A2), WNT3 (Wnt family member 3; minus strand). Cytogenetic location: 17q21.31.
Variant type: single nucleotide variant.
Coding change: c.975G>T on transcript NM_030753.5 (MANE Select); coding-DNA position 975, G replaced by T.
Protein change: p.Lys325Asn; replaces lysine 325 with asparagine.
Molecular consequence: missense variant.
Genome position (GRCh38, 1-based): chr17:46,768,413, C>A on the plus strand (G>T on the coding strand, the complement: WNT3 is on the minus strand). VCF-style: chr17-46768413-C-A. GRCh37 (hg19) VCF-style: chr17-44845779-C-A.
Other names: short protein forms K325N.
Identifiers: ClinVar variation 4202038 (VCV004202038.2).